The following is an entry in ClinVar:

NM_002617.4(PEX10):c.931C>G (p.Arg311Gly)

Gene: PEX10 (peroxisomal biogenesis factor 10; minus strand). Cytogenetic location: 1p36.32.
Variant type: single nucleotide variant.
Coding change: c.931C>G on transcript NM_002617.4 (MANE Select); coding-DNA position 931, C replaced by G.
Protein change: p.Arg311Gly; replaces arginine 311 with glycine.
Molecular consequence: missense variant. On other transcripts: non-coding transcript variant (1).
Genome position (GRCh38, 1-based): chr1:2,405,816, G>C on the plus strand (C>G on the coding strand, the complement: PEX10 is on the minus strand). VCF-style: chr1-2405816-G-C. GRCh37 (hg19) VCF-style: chr1-2337255-G-C.
Other names: c.988C>G, p.Arg330Gly (NM_001374425.1); c.556C>G, p.Arg186Gly (NM_001374426.1); c.499C>G, p.Arg167Gly (NM_001374427.1); c.991C>G, p.Arg331Gly (NM_153818.2); short protein forms R186G, R330G, R167G, R311G, R331G.
Identifiers: ClinVar variation 1471815 (VCV001471815.8), dbSNP rs765965290, ClinGen allele CA337982992.
Genomic context (GRCh38, chr1:2,405,816, plus strand): 5'-GGGCGCCGGCTCAGCGGTAGTGCCGAAGGTAGATGAGCTTCTGGGGAGGGAACTTCTCCC[G>C]GCAGAGGGGACACTCCGCCTGCGGAGAGGAGAAAGGGGGTCACAGCAGCTGGGGCCACTG-3'
Protein context (NP_002608.1, residues 301-321): CSSKAECPLC[Arg311Gly]EKFPPQKLIY

ClinVar aggregate classification (germline): Uncertain significance (1 of 4 stars; one submission).

Conditions:
Peroxisome biogenesis disorder, complementation group 7 (CG7). Also called: Peroxisome biogenesis disorder, complementation group B. Identifiers: MedGen C1864399.

gnomAD v4.1: 1 of 1,599,402 alleles (0.000063%); highest among the groups gnomAD compares: Non-Finnish European, 0.000085%; no homozygotes.

Submission:

Labcorp Genetics (formerly Invitae), Labcorp
Classification: Uncertain significance for Peroxisome biogenesis disorder, complementation group 7. Last evaluated: 2021-05-01. Review status: criteria provided, single submitter. Criteria: Invitae Variant Classification Sherloc (09022015). Collection method: clinical testing. Allele origin: germline.
Comment: This sequence change replaces arginine with glycine at codon 331 of the PEX10 protein (p.Arg331Gly). The arginine residue is highly conserved and there is a moderate physicochemical difference between arginine and glycine. This variant is not present in population databases (ExAC no frequency). This variant has not been reported in the literature in individuals with PEX10-related conditions. Algorithms developed to predict the effect of missense changes on protein structure and function (SIFT, PolyPhen-2, Align-GVGD) all suggest that this variant is likely to be disruptive, but these predictions have not been confirmed by published functional studies and their clinical significance is uncertain. This variant disrupts the p.Arg331 amino acid residue in PEX10. Other variant(s) that disrupt this residue have been determined to be pathogenic (PMID: 27230853, 20695019). This suggests that this residue is clinically significant, and that variants that disrupt this residue are likely to be disease-causing. In summary, the available evidence is currently insufficient to determine the role of this variant in disease. Therefore, it has been classified as a Variant of Uncertain Significance.

Literature cited by the submitters: PubMed 27230853; PubMed 20695019.